The following is an entry in ClinVar:

ClinVar aggregate classification (germline): Uncertain significance (1 of 4 stars; one submission).

Submission:

Ambry Genetics
Classification: Uncertain significance. Last evaluated: 2023-04-05. Review status: criteria provided, single submitter. Criteria: Ambry Variant Classification Scheme 2023. Collection method: clinical testing. Allele origin: germline.
Comment: The p.K4023R variant (also known as c.12068A>G), located in coding exon 85 of the PRKDC gene, results from an A to G substitution at nucleotide position 12068. The lysine at codon 4023 is replaced by arginine, an amino acid with highly similar properties. This amino acid position is conserved. Since supporting evidence is limited at this time, the clinical significance of this alteration remains unclear.

NM_006904.7(PRKDC):c.12068A>G (p.Lys4023Arg)

Gene: PRKDC (protein kinase, DNA-activated, catalytic subunit; minus strand). Cytogenetic location: 8q11.21.
Variant type: single nucleotide variant.
Coding change: c.12068A>G on transcript NM_006904.7 (MANE Select); coding-DNA position 12068, A replaced by G.
Protein change: p.Lys4023Arg; replaces lysine 4023 with arginine.
Molecular consequence: missense variant.
Genome position (GRCh38, 1-based): chr8:47,776,958, T>C on the plus strand (A>G on the coding strand, the complement: PRKDC is on the minus strand). VCF-style: chr8-47776958-T-C. GRCh37 (hg19) VCF-style: chr8-48689519-T-C.
Other names: c.11975A>G, p.Lys3992Arg (NM_001081640.2); short protein forms K3992R, K4023R.
Identifiers: ClinVar variation 2560681 (VCV002560681.2), dbSNP rs2551859529, ClinGen allele CA371127267.